The following is an entry in ClinVar:

ClinVar aggregate classification (germline): Benign (1 of 4 stars; one submission).

Conditions:
Polydactyly of a triphalangeal thumb. Also called: POLYDACTYLY OF TRIPHALANGEAL THUMB; TRIPHALANGEAL THUMB-POLYDACTYLY SYNDROME; Polydactyly, preaxial type II. Identifiers: Orphanet 2439, Orphanet 2950, Orphanet 93336, MedGen C1868114, MONDO:0008270, OMIM 174500.

Allele frequency attached by ClinVar (database versions not stated): 1000 Genomes Project 0.01797; gnomAD 0.01834 and 0.01984; 1000 Genomes Project 30x 0.01921; TOPMed 0.02112.

Submission:

Illumina Laboratory Services, Illumina
Classification: Benign for Polydactyly of a triphalangeal thumb. Last evaluated: 2018-01-13. Review status: criteria provided, single submitter. Criteria: ICSL Variant Classification Criteria 13 December 2019. Collection method: clinical testing. Allele origin: germline.
Comment: This variant was observed in the ICSL laboratory as part of a predisposition screen in an ostensibly healthy population. It had not been previously curated by ICSL or reported in the Human Gene Mutation Database (HGMD: prior to June 1st, 2018), and was therefore a candidate for classification through an automated scoring system. Utilizing variant allele frequency, disease prevalence and penetrance estimates, and inheritance mode, an automated score was calculated to assess if this variant is too frequent to cause the disease. Based on the score and internal cut-off values, a variant classified as benign is not then subjected to further curation. The score for this variant resulted in a classification of benign for this disease.

NM_022458.4(LMBR1):c.*1922A>G

Gene: LMBR1 (limb development membrane protein 1; minus strand). Cytogenetic location: 7q36.3.
Variant type: single nucleotide variant.
Coding change: c.*1922A>G on transcript NM_022458.4 (MANE Select); 1922 bases downstream of the stop codon, A replaced by G.
Molecular consequence: 3 prime UTR variant. On other transcripts: non-coding transcript variant (2).
Genome position (GRCh38, 1-based): chr7:156,682,156, T>C on the plus strand (A>G on the coding strand, the complement: LMBR1 is on the minus strand). VCF-style: chr7-156682156-T-C. GRCh37 (hg19) VCF-style: chr7-156474850-T-C.
Other names: c.*1922A>G (NM_001350953.2, NM_001350954.2, NM_001350955.2 and 8 more transcripts).
Identifiers: ClinVar variation 359392 (VCV000359392.5), dbSNP rs75582340, ClinGen allele CA10625549.